The following is an entry in ClinVar:

ClinVar aggregate classification (germline): Uncertain significance (1 of 4 stars; one submission).

Allele frequency attached by ClinVar (database versions not stated): gnomAD exomes below 0.00001.
gnomAD v4.1: 4 of 1,609,902 alleles (0.00025%); highest among the groups gnomAD compares: Non-Finnish European, 0.00034%; no homozygotes.

Submission:

Labcorp Genetics (formerly Invitae), Labcorp
Classification: Uncertain significance. Last evaluated: 2023-08-17. Review status: criteria provided, single submitter. Criteria: Invitae Variant Classification Sherloc (09022015). Collection method: clinical testing. Allele origin: germline.
Comment: This sequence change falls in intron 10 of the RINT1 gene. It does not directly change the encoded amino acid sequence of the RINT1 protein. This variant is present in population databases (no rsID available, gnomAD 0.01%). This variant has not been reported in the literature in individuals affected with RINT1-related conditions. ClinVar contains an entry for this variant (Variation ID: 2083673). Algorithms developed to predict the effect of sequence changes on RNA splicing suggest that this variant may disrupt the consensus splice site. In summary, the available evidence is currently insufficient to determine the role of this variant in disease. Therefore, it has been classified as a Variant of Uncertain Significance.

NM_021930.6(RINT1):c.1472-13A>T

Gene: RINT1 (RAD50 interactor 1; plus strand). Cytogenetic location: 7q22.3.
Variant type: single nucleotide variant.
Coding change: c.1472-13A>T on transcript NM_021930.6 (MANE Select); 13 bases into the intron before coding-DNA position 1472, A replaced by T.
Molecular consequence: intron variant.
Genome position (GRCh38, 1-based): chr7:105,555,015, A>T. VCF-style: chr7-105555015-A-T. GRCh37 (hg19) VCF-style: chr7-105195462-A-T.
Other names: c.449-13A>T (NM_001346600.2, NM_001346603.2); c.548-13A>T (NM_001346601.2); c.1238-13A>T (NM_001346599.2).
Identifiers: ClinVar variation 2083673 (VCV002083673.4), dbSNP rs1433419670, ClinGen allele CA576986981.